The following is an entry in ClinVar:

ClinVar aggregate classification (germline): Uncertain significance (1 of 4 stars; one submission).

Allele frequency attached by ClinVar (database versions not stated): gnomAD exomes below 0.00001; ExAC 0.00001.
gnomAD v4.1: 2 of 1,613,708 alleles (0.00012%); highest among the groups gnomAD compares: Admixed American, 0.0033%; no homozygotes.

Submission:

Labcorp Genetics (formerly Invitae), Labcorp
Classification: Uncertain significance. Last evaluated: 2022-04-06. Review status: criteria provided, single submitter. Criteria: Invitae Variant Classification Sherloc (09022015). Collection method: clinical testing. Allele origin: germline.
Comment: This sequence change replaces alanine, which is neutral and non-polar, with threonine, which is neutral and polar, at codon 676 of the KIF14 protein (p.Ala676Thr). In summary, the available evidence is currently insufficient to determine the role of this variant in disease. Therefore, it has been classified as a Variant of Uncertain Significance. Algorithms developed to predict the effect of missense changes on protein structure and function are either unavailable or do not agree on the potential impact of this missense change (SIFT: "Deleterious"; PolyPhen-2: "Probably Damaging"; Align-GVGD: "Class C0"). This variant has not been reported in the literature in individuals affected with KIF14-related conditions. This variant is present in population databases (rs758193107, gnomAD 0.003%).

NM_014875.3(KIF14):c.2026G>A (p.Ala676Thr)

Gene: KIF14 (kinesin family member 14; minus strand). Cytogenetic location: 1q32.1.
Variant type: single nucleotide variant.
Coding change: c.2026G>A on transcript NM_014875.3 (MANE Select); coding-DNA position 2026, G replaced by A.
Protein change: p.Ala676Thr; replaces alanine 676 with threonine.
Molecular consequence: missense variant.
Genome position (GRCh38, 1-based): chr1:200,602,022, C>T on the plus strand (G>A on the coding strand, the complement: KIF14 is on the minus strand). VCF-style: chr1-200602022-C-T. GRCh37 (hg19) VCF-style: chr1-200571150-C-T.
Other names: c.553G>A, p.Ala185Thr (NM_001305792.1); short protein forms A185T, A676T.
Identifiers: ClinVar variation 1960930 (VCV001960930.5), dbSNP rs758193107, ClinGen allele CA1317633.